The following is an entry in ClinVar:

ClinVar aggregate classification (germline): Benign. Review status: criteria provided, multiple submitters, no conflicts (2 of 4 stars). 3 submissions from 3 submitters: Benign (3). Last evaluated 2019-12-31.

Allele frequency attached by ClinVar (database versions not stated): ESP Exome Variant Server 0.00008; gnomAD 0.00200 and 0.00217; TOPMed 0.00276; ExAC 0.00504; 1000 Genomes Project 0.00599; 1000 Genomes Project 30x 0.00625; gnomAD exomes 0.00634.

Submissions (3):

Labcorp Genetics (formerly Invitae), Labcorp
Classification: Benign. Last evaluated: 2019-12-31. Review status: criteria provided, single submitter. Criteria: Invitae Variant Classification Sherloc (09022015). Collection method: clinical testing. Allele origin: germline.

GeneDx
Classification: Benign. Last evaluated: 2017-12-28. Review status: criteria provided, single submitter. Criteria: GeneDx Variant Classification (06012015). Collection method: clinical testing. Allele origin: germline. Affected: yes.
Comment: This variant is considered likely benign or benign based on one or more of the following criteria: it is a conservative change, it occurs at a poorly conserved position in the protein, it is predicted to be benign by multiple in silico algorithms, and/or has population frequency not consistent with disease.

Breakthrough Genomics
Classification: Benign. Review status: criteria provided, single submitter. Criteria: ACMG Guidelines, 2015. Collection method: not provided. Allele origin: germline. Inheritance: Unknown mechanism. Affected: yes.

NM_012335.4(MYO1F):c.1087G>A (p.Asp363Asn)

Gene: MYO1F (myosin IF; minus strand). Cytogenetic location: 19p13.2.
Variant type: single nucleotide variant.
Coding change: c.1087G>A on transcript NM_012335.4 (MANE Select); coding-DNA position 1087, G replaced by A.
Protein change: p.Asp363Asn; replaces aspartic acid 363 with asparagine.
Molecular consequence: missense variant.
Genome position (GRCh38, 1-based): chr19:8,550,174, C>T on the plus strand (G>A on the coding strand, the complement: MYO1F is on the minus strand). VCF-style: chr19-8550174-C-T. GRCh37 (hg19) VCF-style: chr19-8615058-C-T.
Other names: c.1075G>A, p.Asp359Asn (NM_001348355.2); short protein forms D363N, D359N.
Identifiers: ClinVar variation 513654 (VCV000513654.6), dbSNP rs139211736, ClinGen allele CA9159450.